The following is an entry in ClinVar:

ClinVar aggregate classification (germline): Conflicting classifications of pathogenicity. Review status: criteria provided, conflicting classifications (1 of 4 stars). 2 submissions from 2 submitters: Uncertain significance (1); Likely benign (1). Last evaluated 2024-09-20.

Conditions:
Cerebellar ataxia, impaired intellectual development, and dysequilibrium syndrome 4. Also called: Cerebellar ataxia, intellectual disability, and dysequilibrium syndrome 4; CEREBELLAR ATAXIA AND MENTAL RETARDATION WITH OR WITHOUT QUADRUPEDAL LOCOMOTION 4; Cerebellar ataxia, mental retardation, and dysequilibrium syndrome 4. Identifiers: Orphanet 1766, MedGen C3808977, MONDO:0014104, OMIM 615268.

Allele frequency attached by ClinVar (database versions not stated): gnomAD 0.00008; TOPMed 0.00009; ExAC 0.00013; 1000 Genomes Project 30x 0.00016; 1000 Genomes Project 0.00020.
gnomAD v4.1: 96 of 1,613,826 alleles (0.0059%); highest among the groups gnomAD compares: Middle Eastern, 0.017%; no homozygotes.

Submissions (2):

3billion
Classification: Likely benign for Cerebellar ataxia, impaired intellectual development, and dysequilibrium syndrome 4. Last evaluated: 2024-09-20. Review status: criteria provided, single submitter. Criteria: ACMG Guidelines, 2015. Collection method: clinical testing. Allele origin: germline. Affected: no.
Comment: The homozygous variant was found in patients diagnosed with another variant in a different gene, with no symptoms related to the gene containing the homozygous variant.

Labcorp Genetics (formerly Invitae), Labcorp
Classification: Uncertain significance. Last evaluated: 2022-07-06. Review status: criteria provided, single submitter. Criteria: Invitae Variant Classification Sherloc (09022015). Collection method: clinical testing. Allele origin: germline.
Comment: This sequence change replaces valine, which is neutral and non-polar, with isoleucine, which is neutral and non-polar, at codon 179 of the ATP8A2 protein (p.Val179Ile). This variant is present in population databases (rs567911133, gnomAD 0.02%). This variant has not been reported in the literature in individuals affected with ATP8A2-related conditions. Algorithms developed to predict the effect of missense changes on protein structure and function output the following: SIFT: "Tolerated"; PolyPhen-2: "Benign"; Align-GVGD: "Class C0". The isoleucine amino acid residue is found in multiple mammalian species, which suggests that this missense change does not adversely affect protein function. In summary, the available evidence is currently insufficient to determine the role of this variant in disease. Therefore, it has been classified as a Variant of Uncertain Significance.

NM_016529.6(ATP8A2):c.535G>A (p.Val179Ile)

Gene: ATP8A2 (ATPase phospholipid transporting 8A2). Cytogenetic location: 13q12.13.
Variant type: single nucleotide variant.
Coding change: c.535G>A on transcript NM_016529.6 (MANE Select); coding-DNA position 535, G replaced by A.
Protein change: p.Val179Ile; replaces valine 179 with isoleucine.
Molecular consequence: missense variant.
Genome position (GRCh38, 1-based): chr13:25,538,015, G>A. VCF-style: chr13-25538015-G-A. GRCh37 (hg19) VCF-style: chr13-26112153-G-A.
Other names: c.415G>A, p.Val139Ile (NM_001313741.1); c.535G>A, p.Val179Ile (NM_001411005.1, NM_001411006.1); short protein forms V179I, V139I.
Identifiers: ClinVar variation 2201578 (VCV002201578.2), dbSNP rs567911133, ClinGen allele CA6922632.